The following is an entry in ClinVar:

ClinVar aggregate classification (germline): Uncertain significance (1 of 4 stars; one submission).

Conditions:
Charcot-Marie-Tooth disease type 4. Also called: Charcot-Marie-Tooth, Type 4; Charcot-Marie-Tooth disease, type IV. Identifiers: Orphanet 64749, MedGen C4082197, MONDO:0018995.

Submission:

Labcorp Genetics (formerly Invitae), Labcorp
Classification: Uncertain significance for Charcot-Marie-Tooth disease type 4. Last evaluated: 2017-09-03. Review status: criteria provided, single submitter. Criteria: Invitae Variant Classification Sherloc (09022015). Collection method: clinical testing. Allele origin: germline.
Comment: This sequence change replaces valine with alanine at codon 154 of the PRX protein (p.Val154Ala). The valine residue is highly conserved and there is a small physicochemical difference between valine and alanine. This variant is not present in population databases (ExAC no frequency). This variant has not been reported in the literature in individuals with PRX-related disease. Algorithms developed to predict the effect of missense changes on protein structure and function do not agree on the potential impact of this missense change (SIFT: "Deleterious"; PolyPhen-2: "Benign"; Align-GVGD: "Class C55"). In summary, the available evidence is currently insufficient to determine the role of this variant in disease. Therefore, it has been classified as a Variant of Uncertain Significance.

NM_181882.3(PRX):c.461T>C (p.Val154Ala)

Gene: PRX (periaxin; minus strand). Cytogenetic location: 19q13.2.
Variant type: single nucleotide variant.
Coding change: c.461T>C on transcript NM_181882.3 (MANE Select); coding-DNA position 461, T replaced by C.
Protein change: p.Val154Ala; replaces valine 154 with alanine.
Molecular consequence: missense variant. On other transcripts: 3 prime UTR variant (1).
Genome position (GRCh38, 1-based): chr19:40,397,891, A>G on the plus strand (T>C on the coding strand, the complement: PRX is on the minus strand). VCF-style: chr19-40397891-A-G. GRCh37 (hg19) VCF-style: chr19-40903798-A-G.
Other names: c.*666T>C (NM_020956.2); short protein forms V154A.
Identifiers: ClinVar variation 543426 (VCV000543426.8), dbSNP rs1555801518, ClinGen allele CA405900532.
Genomic context (GRCh38, chr19:40,397,891, plus strand): 5'-GCCTCGGCTTTGAGGCCCCGACGCAGGCGGGAGAACTTGGGAAAGGAGAACTCGACGTCA[A>G]CAGGGGCCAGGTCAGCGGGGACCCCCAGAGCCCCAGGCACCATCTTCTTCTTCTTCACAG-3'
Protein context (NP_870998.2, residues 144-164): ALGVPADLAP[Val154Ala]DVEFSFPKFS